The following is an entry in ClinVar:

NM_000142.5(FGFR3):c.1172C>A (p.Ala391Glu)

Gene: FGFR3 (fibroblast growth factor receptor 3; plus strand). Cytogenetic location: 4p16.3.
Variant type: single nucleotide variant.
Coding change: c.1172C>A on transcript NM_000142.5 (MANE Select); coding-DNA position 1172, C replaced by A.
Protein change: p.Ala391Glu; replaces alanine 391 with glutamic acid.
Molecular consequence: missense variant. On other transcripts: non-coding transcript variant (1), intron variant (1).
Genome position (GRCh38, 1-based): chr4:1,804,426, C>A. VCF-style: chr4-1804426-C-A. GRCh37 (hg19) VCF-style: chr4-1806153-C-A.
Other names: c.1178C>A, p.Ala393Glu (NM_001163213.2); c.1172C>A, p.Ala391Glu (NM_001354809.2, NM_001354810.2); c.931-398C>A (NM_022965.4); short protein forms A391E, A393E.
Identifiers: ClinVar variation 16329 (VCV000016329.41), dbSNP rs28931615, ClinGen allele CA249860.
Genomic context (GRCh38, chr4:1,804,426, plus strand): 5'-GTGTGTATGCAGGCATCCTCAGCTACGGGGTGGGCTTCTTCCTGTTCATCCTGGTGGTGG[C>A]GGCTGTGACGCTCTGCCGCCTGCGCAGCCCCCCCAAGAAAGGCCTGGGCTCCCCCACCGT-3'
Protein context (NP_000133.1, residues 381-401): VGFFLFILVV[Ala391Glu]AVTLCRLRSP

ClinVar aggregate classification (germline): Pathogenic. Review status: criteria provided, multiple submitters, no conflicts (2 of 4 stars). 20 submissions from 20 submitters: Pathogenic (16). 4 of the submissions do not count toward it. Last evaluated 2026-06-23.

Conditions:
Common craniosynostosis syndromes.
FGFR3-related disorder. Also called: FGFR3-related disorders.
Inborn genetic diseases. Identifiers: MedGen C0950123, MeSH D030342.
Crouzon syndrome-acanthosis nigricans syndrome. Also called: CROUZONODERMOSKELETAL SYNDROME. Identifiers: Orphanet 93262, MedGen C2677099, MONDO:0012833, OMIM 612247.
Craniosynostosis syndrome. Also called: Craniosynostosis. Identifiers: Orphanet 1531, MedGen C0010278, MeSH D003398, MONDO:0015469, HP:0001363.

Submissions 1 to 11 of 20:

Genomenon, Inc
Classification: Pathogenic for Crouzon syndrome-acanthosis nigricans syndrome. Last evaluated: 2026-06-23. Review status: criteria provided, single submitter. Criteria: Genomenon Sequence Variant Interpretation Standards - Updated. Collection method: curation. Allele origin: germline. Affected: yes.
Comment: FGFR3 p.Ala391Glu (c.1172C>A) is a missense variant that changes the amino acid at codon 391 from Alanine to Glutamic acid. This variant has been observed in multiple probands with Crouzon syndrome with acanthosis nigricans (CSAN) (PMID:8880573;7493034;31016899;35254402;27181494). The variant was found to segregate with disease in at least one affected family (PMID:8880573;7493034). A de novo occurrence of this variant has been observed in at least one affected individual (PMID:31016899;27181494;8880573;7493034). At least one functional study has demonstrated a substantial alteration in protein function relative to the wild-type (PMID:21536014;23437153;35254402). It is absent or not present at a significant frequency in gnomAD. In silico models predict that this variant is possibly or probably damaging. In conclusion, we classify FGFR3 p.Ala391Glu (c.1172C>A) as a pathogenic variant.

Genetics Laboratory, Great Ormond Street Hospital NHS Foundation Trust, North Thames Genomic Laboratory Hub
Classification: Pathogenic for Common craniosynostosis syndromes. Last evaluated: 2026-06-12. Review status: criteria provided, single submitter. Criteria: ACGS Best Practice Guidelines for Variant Classification in Rare Disease 2024 v1.2. Collection method: clinical testing. Allele origin: germline. Affected: yes.
Comment: PS4_moderate, PM2_moderate, PS3_strong, PS2_strong

3billion
Classification: Pathogenic for FGFR3-related disorder. Last evaluated: 2025-10-30. Review status: criteria provided, single submitter. Criteria: ACMG Guidelines, 2015. Collection method: clinical testing. Allele origin: germline. Affected: yes.
Comment: The variant is not observed in the gnomAD v4.1.0 dataset. Predicted Consequence/Location: Missense variant. Missense changes are a common disease-causing mechanism. Functional studies provide moderate evidence of the variant having a damaging effect on the gene or gene product (PMID: 23437153). In silico tool predictions suggest damaging effect of the variant on gene or gene product [REVEL: 0.72 (>=0.6, sensitivity 0.68 and specificity 0.92); 3Cnet: 0.98 (> 0.75, sensitivity 0.96 and precision 0.92)]. The same nucleotide change resulting in the same amino acid change has been previously reported as pathogenic/likely pathogenic with strong evidence (ClinVar ID: VCV000016329 /PMID: 7493034). Therefore, this variant is classified as Pathogenic according to the recommendation of ACMG/AMP guideline.

Labcorp Genetics (formerly Invitae), Labcorp
Classification: Pathogenic. Last evaluated: 2025-08-11. Review status: criteria provided, single submitter. Criteria: Invitae Variant Classification Sherloc (09022015). Collection method: clinical testing. Allele origin: germline.
Comment: This sequence change replaces alanine, which is neutral and non-polar, with glutamic acid, which is acidic and polar, at codon 391 of the FGFR3 protein (p.Ala391Glu). This variant is not present in population databases (gnomAD no frequency). This missense change has been observed in individuals with Crouzon syndrome with acanthosis nigricans (CSAN) (PMID: 7493034, 8880573, 11426459, 20199409). ClinVar contains an entry for this variant (Variation ID: 16329). Invitae Evidence Modeling of protein sequence and biophysical properties (such as structural, functional, and spatial information, amino acid conservation, physicochemical variation, residue mobility, and thermodynamic stability) has been performed for this missense variant. However, the output from this modeling did not meet the statistical confidence thresholds required to predict the impact of this variant on FGFR3 protein function. Experimental studies have shown that this missense change affects FGFR3 function (PMID: 18976668, 21536014, 23437153). For these reasons, this variant has been classified as Pathogenic.

Blueprint Genetics
Classification: Pathogenic for FGFR3-related disorders. Last evaluated: 2023-11-21. Review status: criteria provided, single submitter. Criteria: ACMG Guidelines, 2015. Collection method: clinical testing. Allele origin: germline. Affected: yes. Observed: 3 variant alleles.

Institute of Human Genetics, University of Leipzig Medical Center
Classification: Pathogenic for Crouzon syndrome-acanthosis nigricans syndrome. Last evaluated: 2023-07-10. Review status: criteria provided, single submitter. Criteria: ACMG Guidelines, 2015. Collection method: clinical testing. Allele origin: de novo. Inheritance: Autosomal dominant inheritance. Affected: yes.
Comment: Criteria applied: PS2,PS4,PS3_MOD,PM2_SUP,PP3

Victorian Clinical Genetics Services, Murdoch Childrens Research Institute
Classification: Pathogenic for Crouzon syndrome-acanthosis nigricans syndrome. Last evaluated: 2022-02-02. Review status: criteria provided, single submitter. Criteria: ACMG Guidelines, 2015. Collection method: clinical testing. Allele origin: germline. Inheritance: Autosomal dominant inheritance. Affected: yes.
Comment: Based on the classification scheme VCGS_Germline_v1.3.4, this variant is classified as Pathogenic. Following criteria are met: 0103 - Both gain and loss of function are known mechanisms of disease in this gene. Gain of function variants in this gene have been associated with autosomal dominant skeletal dysplasias, while loss of function variants have been associated with autosomal recessive CATSHL syndrome (PMID: 25614871). The disease mechanism for autosomal dominant LADD syndrome is not clearly established. (I) 0108 - This gene is associated with both recessive and dominant disease (OMIM). (I) 0115 - Variants in this gene are known to have variable expressivity. There is a wide range of clinical symptoms with variable expressivity in LADD syndrome patients, even within the same family (PMID: 16501574). (I) 0200 - Variant is predicted to result in a missense amino acid change from alanine to glutamic acid. (I) 0251 - This variant is heterozygous. (I) 0301 - Variant is absent from gnomAD (both v2 and v3). (SP) 0309 - An alternative amino acid change at the same position has been observed in gnomAD (v3) (2 heterozygotes, 0 homozygotes). (I) 0502 - Missense variant with conflicting in silico predictions and uninformative conservation. (I) 0602 - Variant is located in a hotspot region or cluster of pathogenic variants (Decipher). (SP) 0801 - This variant has strong previous evidence of pathogenicity in unrelated individuals. This variant has been reported in multiple individuals with craniosynostosis, Crouzon syndrome with acathosis nigricans and one de novo individual with Pfeiffer syndrome type 3 (ClinVar, LOVD, PMID: 31016899). (SP) 1208 - Inheritance information for this variant is not currently available in this individual. (I) Legend: (SP) - Supporting pathogenic, (I) - Information, (SB) - Supporting benign

GeneDx
Classification: Pathogenic. Last evaluated: 2021-11-01. Review status: criteria provided, single submitter. Criteria: GeneDx Variant Classification Process June 2021. Collection method: clinical testing. Allele origin: germline. Affected: yes.
Comment: Published functional studies demonstrate a lower expression of the protein in comparison to wild-type and an increase in the phosphorylation level (Chen et al., 2011); Not observed in large population cohorts (Lek et al., 2016); In silico analysis supports that this missense variant does not alter protein structure/function; This variant is associated with the following publications: (PMID: 23727984, 9857065, 18976668, 23437153, 21536014, 27228464, 17935505, 27181494, 29620724, 8880573, 31016899, 31837199, 10670894, 7493034, 11426459, 20199409)

Revvity Omics, Revvity
Classification: Pathogenic. Last evaluated: 2021-03-10. Review status: criteria provided, single submitter. Criteria: ACMG Guidelines, 2015. Collection method: clinical testing. Allele origin: germline.

Baylor Genetics
Classification: Pathogenic for Crouzon syndrome-acanthosis nigricans syndrome. Last evaluated: 2017-09-01. Review status: criteria provided, single submitter. Criteria: ACMG Guidelines, 2015. Collection method: clinical testing. Allele origin: de novo. Inheritance: Autosomal dominant inheritance. Affected: yes.

Genomic Diagnostic Laboratory, Division of Genomic Diagnostics, Children's Hospital of Philadelphia
Classification: Pathogenic for Crouzon syndrome with acanthosis nigricans. Last evaluated: 2016-10-20. Review status: criteria provided, single submitter. Criteria: DGD Variant Analysis Guidelines. Collection method: clinical testing. Allele origin: germline. Affected: yes. Observed: 5 variant alleles.
Comment: Clinical Testing